The following is an entry in ClinVar:

ClinVar aggregate classification (germline): Uncertain significance (1 of 4 stars; one submission).

Conditions:
Tuberous sclerosis 2 (TSC2). Identifiers: Orphanet 805, MedGen C1860707, MONDO:0013199, OMIM 613254.

Submission:

Labcorp Genetics (formerly Invitae), Labcorp
Classification: Uncertain significance for Tuberous sclerosis 2. Last evaluated: 2019-04-17. Review status: criteria provided, single submitter. Criteria: Invitae Variant Classification Sherloc (09022015). Collection method: clinical testing. Allele origin: germline.
Comment: This sequence change replaces isoleucine with leucine at codon 61 of the TSC2 protein (p.Ile61Leu). The isoleucine residue is moderately conserved and there is a small physicochemical difference between isoleucine and leucine. This variant is not present in population databases (ExAC no frequency). This variant has not been reported in the literature in individuals with TSC2-related conditions. Algorithms developed to predict the effect of missense changes on protein structure and function are either unavailable or do not agree on the potential impact of this missense change (SIFT: "Tolerated"; PolyPhen-2: "Possibly Damaging"; Align-GVGD: "Class C0"). In summary, the available evidence is currently insufficient to determine the role of this variant in disease. Therefore, it has been classified as a Variant of Uncertain Significance.

NM_000548.5(TSC2):c.181A>T (p.Ile61Leu)

Gene: TSC2 (TSC complex subunit 2; plus strand). Cytogenetic location: 16p13.3.
Variant type: single nucleotide variant.
Coding change: c.181A>T on transcript NM_000548.5 (MANE Select); coding-DNA position 181, A replaced by T.
Protein change: p.Ile61Leu; replaces isoleucine 61 with leucine.
Molecular consequence: missense variant. On other transcripts: 5 prime UTR variant (1).
Genome position (GRCh38, 1-based): chr16:2,050,442, A>T. VCF-style: chr16-2050442-A-T. GRCh37 (hg19) VCF-style: chr16-2100443-A-T.
Other names: c.181A>T, p.Ile61Leu (NM_001077183.3, NM_001114382.3, NM_001318827.2 and 4 more transcripts); c.34A>T, p.Ile12Leu (NM_001318829.2); c.-46A>T (NM_001318831.2); c.214A>T, p.Ile72Leu (NM_001318832.2); short protein forms I12L, I61L, I72L.
Identifiers: ClinVar variation 839588 (VCV000839588.9), dbSNP rs2084961446, ClinGen allele CA394303348.